The following is an entry in ClinVar:

NM_000116.5(TAFAZZIN):c.589G>A (p.Gly197Arg)

Gene: TAFAZZIN (tafazzin, phospholipid-lysophospholipid transacylase; plus strand). Cytogenetic location: Xq28.
Variant type: single nucleotide variant.
Coding change: c.589G>A on transcript NM_000116.5 (MANE Select); coding-DNA position 589, G replaced by A.
Protein change: p.Gly197Arg; replaces glycine 197 with arginine.
Molecular consequence: missense variant. On other transcripts: non-coding transcript variant (1).
Genome position (GRCh38, 1-based): chrX:154,420,037, G>A. VCF-style: chrX-154420037-G-A. GRCh37 (hg19) VCF-style: chrX-153648376-G-A.
Other names: c.589G>A (NM_000116.4, NM_000116.3); c.601G>A, p.Gly201Arg (NM_001303465.2); c.499G>A, p.Gly167Arg (NM_181311.4); c.547G>A, p.Gly183Arg (NM_181312.4); c.457G>A, p.Gly153Arg (NM_181313.4); short protein forms G197R, G153R, G201R, G183R, G167R.
Identifiers: ClinVar variation 11105 (VCV000011105.34), dbSNP rs132630277, ClinGen allele CA255719.

ClinVar aggregate classification (germline): Pathogenic/Likely pathogenic. Review status: criteria provided, multiple submitters, no conflicts (2 of 4 stars). 7 submissions from 7 submitters: Pathogenic (5); Likely pathogenic (1). 1 of the submissions does not count toward it. Last evaluated 2025-03-25.

Conditions:
TAFAZZIN-related disorder. Also called: TAFAZZIN-Related Disorders; TAFAZZIN-related condition.
3-Methylglutaconic aciduria type 2 (BTHS). Also called: CARDIOSKELETAL MYOPATHY WITH NEUTROPENIA AND ABNORMAL MITOCHONDRIA; Barth syndrome. Identifiers: Orphanet 111, MedGen C0574083, MONDO:0010543, OMIM 302060.

Allele frequency attached by ClinVar (database versions not stated): gnomAD exomes below 0.00001.
gnomAD v4.1: 1 of 1,211,870 alleles (0.000083%); highest among the groups gnomAD compares: Non-Finnish European, 0.00011%; no homozygotes.

Submissions (7):

Labcorp Genetics (formerly Invitae), Labcorp
Classification: Pathogenic for 3-Methylglutaconic aciduria type 2. Last evaluated: 2025-03-25. Review status: criteria provided, single submitter. Criteria: Invitae Variant Classification Sherloc (09022015). Collection method: clinical testing. Allele origin: germline.
Comment: This sequence change replaces glycine, which is neutral and non-polar, with arginine, which is basic and polar, at codon 197 of the TAZ protein (p.Gly197Arg). This variant is not present in population databases (gnomAD no frequency). This missense change has been observed in individual(s) with Barth syndrome (PMID: 9382096, 14654353). This variant is also known as G877A. ClinVar contains an entry for this variant (Variation ID: 11105). An algorithm developed to predict the effect of missense changes on protein structure and function (PolyPhen-2) suggests that this variant is likely to be disruptive. For these reasons, this variant has been classified as Pathogenic.

Mayo Clinic Laboratories, Mayo Clinic
Classification: Pathogenic. Last evaluated: 2025-02-27. Review status: criteria provided, single submitter. Criteria: ACMG Guidelines, 2015. Collection method: clinical testing. Allele origin: germline. Observed: 1 variant allele.
Comment: PP1_strong, PP3_moderate, PM2_supporting, PM5, PS4_moderate

GeneDx
Classification: Likely pathogenic. Last evaluated: 2024-11-18. Review status: criteria provided, single submitter. Criteria: GeneDx Variant Classification Process June 2021. Collection method: clinical testing. Allele origin: germline. Affected: yes.
Comment: Not observed at significant frequency in large population cohorts (gnomAD); In silico analysis supports that this missense variant has a deleterious effect on protein structure/function; This variant is associated with the following publications: (PMID: 8042670, 20812380, 9345098, 35104856, 14654353, 25525159, 19648820, 10484795, 9382097, 9382096, 32600061, 16906470, 37549445)

CeGaT Center for Human Genetics Tuebingen
Classification: Pathogenic. Last evaluated: 2023-09-01. Review status: criteria provided, single submitter. Criteria: CeGaT Center For Human Genetics Tuebingen Variant Classification Criteria Version 2. Collection method: clinical testing. Allele origin: germline. Affected: yes. Observed: 1 variant allele.
Comment: TAFAZZIN: PP1:Strong, PM2, PM5, PS4:Moderate, PP3

Women's Health and Genetics/Laboratory Corporation of America, LabCorp
Classification: Pathogenic for TAFAZZIN-Related Disorders. Last evaluated: 2023-03-01. Review status: criteria provided, single submitter. Criteria: LabCorp Variant Classification Summary - May 2015. Collection method: clinical testing. Allele origin: germline.
Comment: Variant summary: TAZ c.589G>A (p.Gly197Arg) results in a non-conservative amino acid change in the encoded protein sequence. Five of five in-silico tools predict a damaging effect of the variant on protein function. The variant was absent in 183500 control chromosomes (gnomAD). c.589G>A has been reported in the literature in multiple individuals affected with Barth Syndrome (e.g. D'Adamo_1997, Bleyl_1997, Cantlay_1999, Ruggolotto_2003, Donati_2006, Alharbi_2022). These data indicate that the variant is very likely to be associated with disease. One clinical diagnostic laboratory has submitted a clinical-significance assessment for this variant to ClinVar after 2014 and classified the variant as pathogenic. Based on the evidence outlined above, the variant was classified as pathogenic.

Molecular Diagnostics Lab, Nemours Children's Health, Delaware
Classification: Pathogenic for 3-Methylglutaconic aciduria type 2. Last evaluated: 2020-07-21. Review status: criteria provided, single submitter. Criteria: ACMG Guidelines, 2015. Collection method: clinical testing. Allele origin: maternal, unknown. Inheritance: X-linked inheritance. Affected: yes and no. Observed: 5 heterozygotes, 9 hemizygotes.

OMIM
Classification: Pathogenic for BARTH SYNDROME. Last evaluated: 2010-10-01. Review status: no assertion criteria provided. Collection method: literature only. Allele origin: germline. Not counted in ClinVar's aggregate classification.

Literature cited by the submitters: PubMed 9382096 (cited by 5 submitters); PubMed 14654353 (cited by 3 submitters); PubMed 16906470 (cited by Mayo Clinic Laboratories, Mayo Clinic and Women's Health and Genetics/Laboratory Corporation of America, LabCorp); PubMed 23656970 (cited by Mayo Clinic Laboratories, Mayo Clinic); PubMed 32600061 (cited by Mayo Clinic Laboratories, Mayo Clinic); PubMed 35104856 (cited by Mayo Clinic Laboratories, Mayo Clinic and Women's Health and Genetics/Laboratory Corporation of America, LabCorp); PubMed 9382097 (cited by 4 submitters); PubMed 10484795 (cited by 3 submitters); PubMed 20812380 (cited by Molecular Diagnostics Lab, Nemours Children's Health, Delaware and OMIM); PubMed 9345098 (cited by Molecular Diagnostics Lab, Nemours Children's Health, Delaware and OMIM); PubMed 19648820 (cited by Molecular Diagnostics Lab, Nemours Children's Health, Delaware and OMIM); PubMed 9332651 (cited by Molecular Diagnostics Lab, Nemours Children's Health, Delaware and OMIM); PubMed 8042670 (cited by OMIM).